The following is an entry in ClinVar:

ClinVar aggregate classification (germline): Uncertain significance (1 of 4 stars; one submission).

Conditions:
Joubert syndrome. Also called: CEREBELLOPARENCHYMAL DISORDER IV; JOUBERT-BOLTSHAUSER SYNDROME; Familial aplasia of the vermis. Identifiers: Orphanet 475, MedGen C5979921, MONDO:0018772.
Nephronophthisis. Also called: Juvenile Nephronophthisis. Identifiers: Orphanet 655, MedGen C0687120, MONDO:0019005, HP:0000090.
Meckel-Gruber syndrome. Also called: DYSENCEPHALIA SPLANCHNOCYSTICA; GRUBER SYNDROME; Dysencephalia splachnocystica. Identifiers: Orphanet 564, MedGen C0265215, MONDO:0018921.

Submission:

Labcorp Genetics (formerly Invitae), Labcorp
Classification: Uncertain significance for Joubert syndrome; Meckel-Gruber syndrome; Nephronophthisis. Last evaluated: 2022-06-20. Review status: criteria provided, single submitter. Criteria: Invitae Variant Classification Sherloc (09022015). Collection method: clinical testing. Allele origin: germline.
Comment: In summary, the available evidence is currently insufficient to determine the role of this variant in disease. Therefore, it has been classified as a Variant of Uncertain Significance. Algorithms developed to predict the effect of missense changes on protein structure and function output the following: SIFT: "Tolerated"; PolyPhen-2: "Benign"; Align-GVGD: "Class C0". The valine amino acid residue is found in multiple mammalian species, which suggests that this missense change does not adversely affect protein function. This variant has not been reported in the literature in individuals affected with CEP290-related conditions. This variant is not present in population databases (gnomAD no frequency). This sequence change replaces aspartic acid, which is acidic and polar, with valine, which is neutral and non-polar, at codon 1678 of the CEP290 protein (p.Asp1678Val).

NM_025114.4(CEP290):c.5033A>T (p.Asp1678Val)

Gene: CEP290 (centrosomal protein 290; minus strand). Cytogenetic location: 12q21.32.
Variant type: single nucleotide variant.
Coding change: c.5033A>T on transcript NM_025114.4 (MANE Select); coding-DNA position 5033, A replaced by T.
Protein change: p.Asp1678Val; replaces aspartic acid 1678 with valine.
Molecular consequence: missense variant.
Genome position (GRCh38, 1-based): chr12:88,080,375, T>A on the plus strand (A>T on the coding strand, the complement: CEP290 is on the minus strand). VCF-style: chr12-88080375-T-A. GRCh37 (hg19) VCF-style: chr12-88474152-T-A.
Other names: short protein forms D1678V.
Identifiers: ClinVar variation 1402033 (VCV001402033.8), dbSNP rs1174731379, ClinGen allele CA385991590.